The following is an entry in ClinVar:

NM_002887.4(RARS1):c.305T>A (p.Val102Glu)

Gene: RARS1 (arginyl-tRNA synthetase 1; plus strand). Cytogenetic location: 5q34.
Variant type: single nucleotide variant.
Coding change: c.305T>A on transcript NM_002887.4 (MANE Select); coding-DNA position 305, T replaced by A.
Protein change: p.Val102Glu; replaces valine 102 with glutamic acid.
Molecular consequence: missense variant.
Genome position (GRCh38, 1-based): chr5:168,492,783, T>A. VCF-style: chr5-168492783-T-A. GRCh37 (hg19) VCF-style: chr5-167919788-T-A.
Other names: short protein forms V102E.
Identifiers: ClinVar variation 1708845 (VCV001708845.2), dbSNP rs1397884355, ClinGen allele CA362078638.

ClinVar aggregate classification (germline): Uncertain significance (1 of 4 stars; one submission).

Allele frequency attached by ClinVar (database versions not stated): TOPMed below 0.00001; gnomAD 0.00001.
gnomAD v4.1: 1 of 1,613,880 alleles (0.000062%); highest among the groups gnomAD compares: Non-Finnish European, 0.000085%; no homozygotes.

Submission:

GeneDx
Classification: Uncertain significance. Last evaluated: 2022-04-04. Review status: criteria provided, single submitter. Criteria: GeneDx Variant Classification Process June 2021. Collection method: clinical testing. Allele origin: germline. Affected: yes.
Comment: Not observed at significant frequency in large population cohorts (gnomAD); In silico analysis supports that this missense variant has a deleterious effect on protein structure/function; Has not been previously published as pathogenic or benign to our knowledge